The following is an entry in ClinVar:

ClinVar aggregate classification (germline): Uncertain significance (1 of 4 stars; one submission).

Conditions:
Alagille syndrome due to a NOTCH2 point mutation. Also called: Alagille syndrome 2. Identifiers: Orphanet 261629, Orphanet 52, MedGen C1857761, MONDO:0012439, OMIM 610205.

Submission:

3billion
Classification: Uncertain significance for Alagille syndrome due to a NOTCH2 point mutation. Last evaluated: 2025-10-08. Review status: criteria provided, single submitter. Criteria: ACMG Guidelines, 2015. Collection method: clinical testing. Allele origin: germline. Affected: yes.
Comment: The variant is not observed in the gnomAD v4.1.0 dataset. Predicted Consequence/Location: Missense variant In silico tools predict the variant to alter splicing and produce an abnormal transcript [SpliceAI: 0.87 (>=0.2, moderate evidence for spliceogenicity)]. Therefore, this variant is classified as VUS according to the recommendation of ACMG/AMP guideline.

NM_024408.4(NOTCH2):c.5516G>T (p.Gly1839Val)

Gene: NOTCH2 (notch receptor 2; minus strand). Cytogenetic location: 1p12.
Variant type: single nucleotide variant.
Coding change: c.5516G>T on transcript NM_024408.4 (MANE Select); coding-DNA position 5516, G replaced by T.
Protein change: p.Gly1839Val; replaces glycine 1839 with valine.
Molecular consequence: missense variant.
Genome position (GRCh38, 1-based): chr1:119,919,577, C>A on the plus strand (G>T on the coding strand, the complement: NOTCH2 is on the minus strand). VCF-style: chr1-119919577-C-A. GRCh37 (hg19) VCF-style: chr1-120462200-C-A.
Other names: short protein forms G1839V.
Identifiers: ClinVar variation 4854683 (VCV004854683.1).